The following is an entry in ClinVar:

ClinVar aggregate classification (germline): Conflicting classifications of pathogenicity. Review status: criteria provided, conflicting classifications (1 of 4 stars). 2 submissions from 2 submitters: Pathogenic (1); Uncertain significance (1). Last evaluated 2023-12-06.

Conditions:
Charcot-Marie-Tooth disease type 2E (CMT2E). Also called: CHARCOT-MARIE-TOOTH DISEASE, AXONAL, TYPE 2E; CHARCOT-MARIE-TOOTH NEUROPATHY, TYPE 2E. Identifiers: Orphanet 99939, MedGen C1843225, MONDO:0011894, OMIM 607684.

Submissions (2):

Center for Human Genetics and Genomic Medicine, Uniklinik Rwth Aachen
Classification: Pathogenic for Charcot-Marie-Tooth disease type 2E. Last evaluated: 2023-12-06. Review status: criteria provided, single submitter. Criteria: ACMG Guidelines, 2015. Collection method: clinical testing. Allele origin: de novo. Inheritance: Autosomal dominant inheritance. Affected: yes. Observed: 1 heterozygote.

Labcorp Genetics (formerly Invitae), Labcorp
Classification: Uncertain significance for Charcot-Marie-Tooth disease type 2E. Last evaluated: 2023-02-10. Review status: criteria provided, single submitter. Criteria: Invitae Variant Classification Sherloc (09022015). Collection method: clinical testing. Allele origin: germline.
Comment: This variant has not been reported in the literature in individuals affected with NEFL-related conditions. Advanced modeling of protein sequence and biophysical properties (such as structural, functional, and spatial information, amino acid conservation, physicochemical variation, residue mobility, and thermodynamic stability) performed at Invitae indicates that this missense variant is expected to disrupt NEFL protein function. This variant disrupts the p.Asn98 amino acid residue in NEFL. Other variant(s) that disrupt this residue have been determined to be pathogenic (PMID: 12477167, 12566280, 19158810, 21840889, 25448007, 26645395, 27206872). This suggests that this residue is clinically significant, and that variants that disrupt this residue are likely to be disease-causing. In summary, the available evidence is currently insufficient to determine the role of this variant in disease. Therefore, it has been classified as a Variant of Uncertain Significance. This sequence change replaces asparagine, which is neutral and polar, with aspartic acid, which is acidic and polar, at codon 98 of the NEFL protein (p.Asn98Asp). This variant is not present in population databases (gnomAD no frequency).

Literature cited by the submitters: PubMed 12477167 (cited by Labcorp Genetics (formerly Invitae), Labcorp); PubMed 12566280 (cited by Labcorp Genetics (formerly Invitae), Labcorp); PubMed 19158810 (cited by Labcorp Genetics (formerly Invitae), Labcorp); PubMed 21840889 (cited by Labcorp Genetics (formerly Invitae), Labcorp); PubMed 25448007 (cited by Labcorp Genetics (formerly Invitae), Labcorp); PubMed 26645395 (cited by Labcorp Genetics (formerly Invitae), Labcorp); PubMed 27206872 (cited by Labcorp Genetics (formerly Invitae), Labcorp).

NM_006158.5(NEFL):c.292A>G (p.Asn98Asp)

Gene: NEFL (neurofilament light chain; minus strand). Cytogenetic location: 8p21.2.
Variant type: single nucleotide variant.
Coding change: c.292A>G on transcript NM_006158.5 (MANE Select); coding-DNA position 292, A replaced by G.
Protein change: p.Asn98Asp; replaces asparagine 98 with aspartic acid.
Molecular consequence: missense variant.
Genome position (GRCh38, 1-based): chr8:24,956,224, T>C on the plus strand (A>G on the coding strand, the complement: NEFL is on the minus strand). VCF-style: chr8-24956224-T-C. GRCh37 (hg19) VCF-style: chr8-24813738-T-C.
Other names: short protein forms N98D.
Identifiers: ClinVar variation 2664371 (VCV002664371.5), dbSNP rs2486887879, ClinGen allele CA370622897.